The following is an entry in ClinVar:

NM_003036.4(SKI):c.1258G>A (p.Ala420Thr)

Gene: SKI (SKI proto-oncogene; plus strand). Cytogenetic location: 1p36.32.
Variant type: single nucleotide variant.
Coding change: c.1258G>A on transcript NM_003036.4 (MANE Select); coding-DNA position 1258, G replaced by A.
Protein change: p.Ala420Thr; replaces alanine 420 with threonine.
Molecular consequence: missense variant.
Genome position (GRCh38, 1-based): chr1:2,303,886, G>A. VCF-style: chr1-2303886-G-A. GRCh37 (hg19) VCF-style: chr1-2235325-G-A.
Other names: short protein forms A420T.
Identifiers: ClinVar variation 220793 (VCV000220793.33), dbSNP rs771862077, ClinGen allele CA350063.

ClinVar aggregate classification (germline): Conflicting classifications of pathogenicity. Review status: criteria provided, conflicting classifications (1 of 4 stars). 7 submissions from 7 submitters: Uncertain significance (1); Likely benign (6). Last evaluated 2026-08-01.

Conditions:
SKI-related disorder. Also called: SKI-related condition.
Familial thoracic aortic aneurysm and aortic dissection (TAAD). Also called: Thoracic aortic aneurysms and dissections. Identifiers: Orphanet 91387, MedGen C4707243, MONDO:0019625.
Shprintzen-Goldberg syndrome (SGS). Also called: Marfanoid disorder with craniosynostosis type 1; Marfanoid craniosynostosis syndrome; Shprintzen-Goldberg marfanoid syndrome; SHPRINTZEN-GOLDBERG CRANIOSYNOSTOSIS SYNDROME; CRANIOSYNOSTOSIS WITH ARACHNODACTYLY AND ABDOMINAL HERNIAS. Identifiers: Orphanet 2462, MedGen C1321551, MONDO:0008426, OMIM 182212.

Allele frequency attached by ClinVar (database versions not stated): gnomAD 0.00003 and 0.00004; TOPMed 0.00007; ExAC 0.00008; gnomAD exomes 0.00009 and 0.00025.
gnomAD v4.1: 368 of 1,612,272 alleles (0.023%); highest among the groups gnomAD compares: Non-Finnish European, 0.029%; 1 homozygote.

Submissions (7):

CeGaT Center for Human Genetics Tuebingen
Classification: Likely benign. Last evaluated: 2026-08-01. Review status: criteria provided, single submitter. Criteria: CeGaT Center For Human Genetics Tuebingen Variant Classification Criteria Version 2. Collection method: clinical testing. Allele origin: germline. Affected: yes. Observed: 2 variant alleles.
Comment: SKI: PP3, BS2

Labcorp Genetics (formerly Invitae), Labcorp
Classification: Likely benign for Shprintzen-Goldberg syndrome. Last evaluated: 2026-01-08. Review status: criteria provided, single submitter. Criteria: Invitae Variant Classification Sherloc (09022015). Collection method: clinical testing. Allele origin: germline.

PreventionGenetics, part of Exact Sciences
Classification: Likely benign for SKI-related condition. Last evaluated: 2025-11-19. Review status: criteria provided, single submitter. Criteria: ACMG Guidelines, 2015. Collection method: clinical testing. Allele origin: germline.
Comment: This variant is classified as likely benign based on ACMG/AMP sequence variant interpretation guidelines (Richards et al. 2015 PMID: 25741868, with internal and published modifications).

Blueprint Genetics
Classification: Likely benign. Last evaluated: 2024-10-24. Review status: criteria provided, single submitter. Criteria: ACMG Guidelines, 2015. Collection method: clinical testing. Allele origin: germline.

GeneDx
Classification: Likely benign. Last evaluated: 2022-03-16. Review status: criteria provided, single submitter. Criteria: GeneDx Variant Classification Process June 2021. Collection method: clinical testing. Allele origin: germline. Affected: yes.
Comment: In silico analysis, which includes protein predictors and evolutionary conservation, supports that this variant does not alter protein structure/function; Reported as a variant of uncertain significance and a likely benign variant by other clinical laboratories in ClinVar but additional evidence is not available (ClinVar Variant ID# 220793; ClinVar)

Ambry Genetics
Classification: Likely benign for Familial thoracic aortic aneurysm and aortic dissection. Last evaluated: 2017-06-09. Review status: criteria provided, single submitter. Criteria: Ambry Variant Classification Scheme 2023. Collection method: clinical testing. Allele origin: germline.

ARUP Laboratories, Molecular Genetics and Genomics, ARUP Laboratories
Classification: Uncertain significance. Last evaluated: 2016-09-13. Review status: criteria provided, single submitter. Criteria: ARUP Molecular Germline Variant Investigation Process. Collection method: clinical testing. Allele origin: germline.